The following is an entry in ClinVar:

NM_000245.4(MET):c.4118A>G (p.Asp1373Gly)

Gene: MET (MET proto-oncogene, receptor tyrosine kinase; plus strand). Cytogenetic location: 7q31.2.
Variant type: single nucleotide variant.
Coding change: c.4118A>G on transcript NM_000245.4 (MANE Select); coding-DNA position 4118, A replaced by G.
Protein change: p.Asp1373Gly; replaces aspartic acid 1373 with glycine.
Molecular consequence: missense variant.
Genome position (GRCh38, 1-based): chr7:116,796,069, A>G. VCF-style: chr7-116796069-A-G. GRCh37 (hg19) VCF-style: chr7-116436123-A-G.
Other names: c.4172A>G (LRG_662t1); c.4172A>G, p.Asp1391Gly (NM_001127500.3); c.2828A>G, p.Asp943Gly (NM_001324402.2); short protein forms D1391G, D1373G, D943G.
Identifiers: ClinVar variation 665074 (VCV000665074.19), dbSNP rs773898036, ClinGen allele CA4448832.

ClinVar aggregate classification (germline): Conflicting classifications of pathogenicity. Review status: criteria provided, conflicting classifications (1 of 4 stars). 6 submissions from 6 submitters: Uncertain significance (4); Benign (1); Likely benign (1). Last evaluated 2026-08-15.

Conditions:
Papillary renal cell carcinoma type 1 (RCCP1). Also called: Renal adenocarcinoma; Renal cell carcinoma 1; Renal cell carcinoma, somatic; RENAL CELL CARCINOMA, PAPILLARY, 1, SOMATIC. Identifiers: Orphanet 47044, MedGen C1336839, OMIM 605074, HP:0011797.
Autosomal recessive nonsyndromic hearing loss 97. Also called: Deafness, autosomal recessive 97. Identifiers: Orphanet 90636, MedGen C4084709, MONDO:0014739, OMIM 616705.
Arthrogryposis, distal, IIa 11. Also called: Arthrogryposis, distal, type 11. Identifiers: MedGen C5774205, MONDO:0031045, OMIM 620019.
Hepatocellular carcinoma (HCC). Also called: Primary carcinoma of liver; HEPATOMA; LIVER CELL CARCINOMA. Identifiers: Orphanet 88673, MedGen C2239176, MONDO:0007256, OMIM 114550, HP:0001402.
Osteofibrous dysplasia (OSFD). Also called: Tibia, bowing of, with pseudarthrosis and pectus excavatum. Identifiers: Orphanet 488265, MedGen C4085248, MONDO:0011806, OMIM 607278.
MET-related disorder. Also called: MET-related condition.
Renal cell carcinoma. Identifiers: Orphanet 217071, MedGen C0007134, MeSH D002292, MONDO:0005086, HP:0005584.
Hereditary cancer-predisposing syndrome. Also called: Tumor predisposition; Hereditary neoplastic syndrome; Hereditary Cancer Syndrome; Neoplastic Syndromes, Hereditary. Identifiers: Orphanet 140162, MedGen C0027672, MeSH D009386, MONDO:0015356.

Allele frequency attached by ClinVar (database versions not stated): gnomAD below 0.00001 and 0.00001; TOPMed below 0.00001.
gnomAD v4.1: 64 of 1,613,908 alleles (0.004%); highest among the groups gnomAD compares: South Asian, 0.065%; no homozygotes.

Submissions (6):

PreventionGenetics, part of Exact Sciences
Classification: Uncertain significance for MET-related condition. Last evaluated: 2026-08-15. Review status: criteria provided, single submitter. Criteria: ACMG Guidelines, 2015. Collection method: clinical testing. Allele origin: germline.
Comment: The MET c.4172A>G variant is predicted to result in the amino acid substitution p.Asp1391Gly. To our knowledge, this variant has not been reported in the literature. This variant is reported in 0.052% of alleles in individuals of South Asian descent in gnomAD. This variant has conflicting interpretations in ClinVar ranging from uncertain to likely benign (Variation ID: 665074). Although we suspect that this variant may be benign, at this time, the clinical significance of this variant is uncertain due to the absence of conclusive functional and genetic evidence.

Labcorp Genetics (formerly Invitae), Labcorp
Classification: Likely benign for Renal cell carcinoma. Last evaluated: 2025-12-05. Review status: criteria provided, single submitter. Criteria: Invitae Variant Classification Sherloc (09022015). Collection method: clinical testing. Allele origin: germline.

Ambry Genetics
Classification: Benign for Hereditary cancer-predisposing syndrome. Last evaluated: 2024-07-02. Review status: criteria provided, single submitter. Criteria: Ambry Variant Classification Scheme 2023. Collection method: clinical testing. Allele origin: germline.

Fulgent Genetics
Classification: Uncertain significance for Hepatocellular carcinoma; Papillary renal cell carcinoma type 1; Osteofibrous dysplasia; Autosomal recessive nonsyndromic hearing loss 97; Arthrogryposis, distal, IIa 11. Last evaluated: 2024-01-17. Review status: criteria provided, single submitter. Criteria: ACMG Guidelines, 2015. Collection method: clinical testing. Allele origin: germline.

GeneDx
Classification: Uncertain significance. Last evaluated: 2022-05-31. Review status: criteria provided, single submitter. Criteria: GeneDx Variant Classification Process June 2021. Collection method: clinical testing. Allele origin: germline. Affected: yes.
Comment: In silico analysis supports that this missense variant has a deleterious effect on protein structure/function; Has not been previously published as pathogenic or benign to our knowledge

St. Jude Molecular Pathology, St. Jude Children's Research Hospital
Classification: Uncertain significance for Papillary renal cell carcinoma type 1. Last evaluated: 2022-05-12. Review status: criteria provided, single submitter. Criteria: St. Jude Assertion Criteria 2020. Collection method: clinical testing. Allele origin: germline.
Comment: The MET c.4172A>G (p.Asp1391Gly) missense change has a maximum subpopulation frequency of 0.052% in gnomAD v2.1.1. It is predicted to have a effect on protein function (BP4), but to our knowledge this prediction has not been confirmed by functional assays. To our knowledge, this variant has not been reported in individuals with hereditary papillary renal cell carcinoma. In summary, this variant meets criteria to be classified as of uncertain significance based on the ACMG/AMP criteria: BP4.